The following is an entry in ClinVar:

ClinVar aggregate classification (germline): Conflicting classifications of pathogenicity. Review status: criteria provided, conflicting classifications (1 of 4 stars). 6 submissions from 6 submitters: Uncertain significance (2); Benign (2); Likely benign (1). 1 of the submissions does not count toward it. Last evaluated 2026-01-26.

Conditions:
EHMT1-related disorder. Also called: EHMT1-related condition.
Inborn genetic diseases. Identifiers: MedGen C0950123, MeSH D030342.
Kleefstra syndrome 1 (KLEFS1). Identifiers: Orphanet 261494, MedGen C0795833, MONDO:0027407, OMIM 610253.

Allele frequency attached by ClinVar (database versions not stated): gnomAD 0.00034 and 0.00033; TOPMed 0.00082; gnomAD exomes 0.00004 and 0.00009; ExAC 0.00007; 1000 Genomes Project 0.00060; 1000 Genomes Project 30x 0.00062.
gnomAD v4.1: 128 of 1,614,146 alleles (0.0079%); highest among the groups gnomAD compares: Admixed American, 0.11%; 1 homozygote.

Submissions (6):

Labcorp Genetics (formerly Invitae), Labcorp
Classification: Benign for Kleefstra syndrome 1. Last evaluated: 2026-01-26. Review status: criteria provided, single submitter. Criteria: Invitae Variant Classification Sherloc (09022015). Collection method: clinical testing. Allele origin: germline.

GeneDx
Classification: Benign. Last evaluated: 2019-02-27. Review status: criteria provided, single submitter. Criteria: GeneDx Variant Classification Process June 2021. Collection method: clinical testing. Allele origin: germline. Affected: yes.

Ambry Genetics
Classification: Likely benign for Inborn genetic diseases. Last evaluated: 2018-05-02. Review status: criteria provided, single submitter. Criteria: Ambry Variant Classification Scheme 2023. Collection method: clinical testing. Allele origin: germline.

Eurofins Ntd Llc (ga)
Classification: Uncertain significance. Last evaluated: 2015-01-12. Review status: criteria provided, single submitter. Criteria: EGL Classification Definitions 2015. Collection method: clinical testing. Allele origin: germline. Observed: 2 variant alleles, 2 heterozygotes.

Genetic Services Laboratory, University of Chicago
Classification: Uncertain significance. Last evaluated: 2014-02-12. Review status: criteria provided, single submitter. Criteria: ACMG Guidelines, 2007. Collection method: clinical testing. Allele origin: germline. Inheritance: Autosomal dominant inheritance.

PreventionGenetics, part of Exact Sciences
Classification: Likely benign for EHMT1-related condition. Last evaluated: 2024-02-20. Review status: no assertion criteria provided. Collection method: clinical testing. Allele origin: germline. Not counted in ClinVar's aggregate classification.
Comment: This variant is classified as likely benign based on ACMG/AMP sequence variant interpretation guidelines (Richards et al. 2015 PMID: 25741868, with internal and published modifications).

NM_024757.5(EHMT1):c.1865A>G (p.Asn622Ser)

Gene: EHMT1 (euchromatic histone lysine methyltransferase 1; plus strand). Cytogenetic location: 9q34.3.
Variant type: single nucleotide variant.
Coding change: c.1865A>G on transcript NM_024757.5 (MANE Select); coding-DNA position 1865, A replaced by G.
Protein change: p.Asn622Ser; replaces asparagine 622 with serine.
Molecular consequence: missense variant.
Genome position (GRCh38, 1-based): chr9:137,776,691, A>G. VCF-style: chr9-137776691-A-G. GRCh37 (hg19) VCF-style: chr9-140671143-A-G.
Other names: c.1865A>G, p.Asn622Ser (NM_001145527.2); c.1772A>G, p.Asn591Ser (NM_001354259.2); c.1844A>G, p.Asn615Ser (NM_001354263.2); short protein forms N622S, N591S, N615S.
Identifiers: ClinVar variation 128977 (VCV000128977.29), dbSNP rs184814386, ClinGen allele CA231083.
Genomic context (GRCh38, chr9:137,776,691, plus strand): 5'-AGTGTCAGCCCGAGAGCAGCATCTCTCACCGTTTCCACAAAGACTGTGCCTCTCGAGTCA[A>G]TAACGCCAGCTATTGTCCCCACTGTGGGGAGGAGAGCTCCAAGGCCAAAGAGGTGACGAT-3'
Protein context (NP_079033.4, residues 612-632): RFHKDCASRV[Asn622Ser]NASYCPHCGE